The following is an entry in ClinVar:

ClinVar aggregate classification (germline): Conflicting classifications of pathogenicity. Review status: criteria provided, conflicting classifications (1 of 4 stars). 9 submissions from 9 submitters: Likely pathogenic (3); Uncertain significance (6). Last evaluated 2025-12-16.

Conditions:
POMT1-related congenital myopathy.
Autosomal recessive limb-girdle muscular dystrophy type 2K. Also called: MUSCULAR DYSTROPHY-DYSTROGLYCANOPATHY (LIMB-GIRDLE), TYPE C, 1; MUSCULAR DYSTROPHY, LIMB-GIRDLE, TYPE 2K. Identifiers: Orphanet 86812, MedGen C1836373, MONDO:0012248, OMIM 609308.
Muscular dystrophy-dystroglycanopathy (congenital with impaired intellectual development), type B, 1. Also called: Muscular dystrophy-dystroglycanopathy (congenital with intellectual disability), type B1; MUSCULAR DYSTROPHY, CONGENITAL, POMT1-RELATED. Identifiers: MedGen C5436962, MONDO:0013159, OMIM 613155.
Walker-Warburg congenital muscular dystrophy. Also called: Muscular dystrophy-dystroglycanopathy, type A; Walker-Warburg syndrome. Identifiers: Orphanet 899, MedGen C0265221, MONDO:0000171.
Inborn genetic diseases. Identifiers: MedGen C0950123, MeSH D030342.
Muscular dystrophy-dystroglycanopathy (congenital with brain and eye anomalies), type A1 (MDDGA1). Also called: COD-MD SYNDROME; Muscular dystrophy-dystroglycanopathy (congenital with brain and eye anomalies), type A, 1; WALKER-WARBURG SYNDROME OR MUSCLE-EYE-BRAIN DISEASE, POMT1-RELATED; Hydrocephalus, agyria and retinal dysplasia; Hard +/- E syndrome; Warburg syndrome. Identifiers: Orphanet 588, Orphanet 899, MedGen C4284790, MONDO:0009364, OMIM 236670.

Allele frequency attached by ClinVar (database versions not stated): TOPMed 0.00008; ExAC 0.00003; gnomAD exomes 0.00006.
gnomAD v4.1: 60 of 1,614,004 alleles (0.0037%); highest among the groups gnomAD compares: East Asian, 0.022%; no homozygotes.

Submissions (9):

Labcorp Genetics (formerly Invitae), Labcorp
Classification: Likely pathogenic for Muscular dystrophy-dystroglycanopathy (congenital with impaired intellectual development), type B, 1; Walker-Warburg congenital muscular dystrophy; Autosomal recessive limb-girdle muscular dystrophy type 2K. Last evaluated: 2025-12-16. Review status: criteria provided, single submitter. Criteria: Invitae Variant Classification Sherloc (09022015). Collection method: clinical testing. Allele origin: germline.
Comment: This sequence change replaces proline, which is neutral and non-polar, with leucine, which is neutral and non-polar, at codon 66 of the POMT1 protein (p.Pro66Leu). This variant is present in population databases (rs757903559, gnomAD 0.04%). This missense change has been observed in individual(s) with clinical features of muscular dystrophy-dystroglycanopathy (PMID: 30060766, 33200426). ClinVar contains an entry for this variant (Variation ID: 502200). Invitae Evidence Modeling of protein sequence and biophysical properties (such as structural, functional, and spatial information, amino acid conservation, physicochemical variation, residue mobility, and thermodynamic stability) indicates that this missense variant is expected to disrupt POMT1 protein function with a positive predictive value of 95%. In summary, the currently available evidence indicates that the variant is pathogenic, but additional data are needed to prove that conclusively. Therefore, this variant has been classified as Likely Pathogenic.

Dasa
Classification: Uncertain significance. Last evaluated: 2025-07-02. Review status: criteria provided, single submitter. Criteria: DASA Assertion Criteria. Collection method: clinical testing. Allele origin: germline.
Comment: NM_001077365.2(POMT1):c.197C>T (p.Pro66Leu) is a missense variant that results in the substitution of proline with leucine. This variant has been reported in individuals with POMT1-related disorders (PMID: 30060766). Also, this variant is rare in population databases. Computational prediction algorithms are consistent with a deleterious effect. The currently available literature and clinical evidence are not sufficient to establish a definitive association between this variant and the reported condition. Therefore, this variant is classified as a variant of uncertain significance.

Women's Health and Genetics/Laboratory Corporation of America, LabCorp
Classification: Uncertain significance. Last evaluated: 2025-04-08. Review status: criteria provided, single submitter. Criteria: LabCorp Variant Classification Summary - May 2015. Collection method: clinical testing. Allele origin: germline.
Comment: Variant summary: POMT1 c.197C>T (p.Pro66Leu) results in a non-conservative amino acid change in the encoded protein sequence. Five of five in-silico tools predict a damaging effect of the variant on protein function. The variant allele was found at a frequency of 5.6e-05 in 251490 control chromosomes. This frequency is not significantly higher than estimated for a pathogenic variant in POMT1 causing Muscular dystrophy-dystroglycanopathy (congenital with brain and eye anomalies), type A1 (5.6e-05 vs 0.0035), allowing no conclusion about variant significance. c.197C>T has been reported in the literature in compound heterozygous individuals affected with Muscular dystrophy-dystroglycanopathy (congenital with brain and eye anomalies), type A1 (Johnson_2018, Song_2020). These data indicate that the variant may be associated with disease. To our knowledge, no experimental evidence demonstrating an impact on protein function has been reported. The following publications have been ascertained in the context of this evaluation (PMID: 30060766, 33200426). ClinVar contains an entry for this variant (Variation ID: 502200). Based on the evidence outlined above, the variant was classified as VUS-possibly pathogenic.

Baylor Genetics
Classification: Likely pathogenic for Muscular dystrophy-dystroglycanopathy (congenital with brain and eye anomalies), type A1. Last evaluated: 2024-03-30. Review status: criteria provided, single submitter. Criteria: ACMG Guidelines, 2015. Collection method: clinical testing. Allele origin: unknown.

Muscle and Diseases Team, Institut de Génétique et Biologie Moléculaire et Cellulaire
Classification: Likely pathogenic for POMT1-related congenital myopathy. Last evaluated: 2024-03-01. Review status: criteria provided, single submitter. Criteria: ACMG Guidelines, 2015. Collection method: research. Allele origin: unknown. Affected: yes. Observed: 1 variant allele.
Comment: PM1+PM2+PP1+PP3+PP5

Ambry Genetics
Classification: Uncertain significance for Inborn genetic diseases. Last evaluated: 2022-07-18. Review status: criteria provided, single submitter. Criteria: Ambry Variant Classification Scheme 2023. Collection method: clinical testing. Allele origin: germline.

GeneDx
Classification: Uncertain significance. Last evaluated: 2021-09-27. Review status: criteria provided, single submitter. Criteria: GeneDx Variant Classification Process June 2021. Collection method: clinical testing. Allele origin: germline. Affected: yes.
Comment: Reported previously with a pathogenic variant in a patient with limb-girdle muscle weakness in published literature, but it is not known whether the variants occurred on the same (in cis) or on different (in trans) chromosomes (Johnson et al., 2018); Reported previously in a patient with suspected muscle disease; however, no further clinical or segregation information was provided (Tpf et al., 2020); In silico analysis supports that this missense variant has a deleterious effect on protein structure/function; This variant is associated with the following publications: (PMID: 22549409, 30564623, 32528171, 30060766)

Revvity Omics, Revvity
Classification: Uncertain significance. Last evaluated: 2019-04-15. Review status: criteria provided, single submitter. Criteria: ACMG Guidelines, 2015. Collection method: clinical testing. Allele origin: germline.

Eurofins Ntd Llc (ga)
Classification: Uncertain significance. Last evaluated: 2017-05-24. Review status: criteria provided, single submitter. Criteria: EGL Classification Definitions 2015. Collection method: clinical testing. Allele origin: germline. Observed: 1 variant allele, 1 heterozygote.

Literature cited by the submitters: PubMed 30060766 (cited by 5 submitters); PubMed 33200426 (cited by Labcorp Genetics (formerly Invitae), Labcorp and Women's Health and Genetics/Laboratory Corporation of America, LabCorp); DOI 10.1186/s13073-024-01353-0 (cited by Muscle and Diseases Team, Institut de Génétique et Biologie Moléculaire et Cellulaire); PubMed 32528171 (cited by Ambry Genetics).

NM_001077365.2(POMT1):c.197C>T (p.Pro66Leu)

Gene: POMT1 (protein O-mannosyltransferase 1; plus strand). Cytogenetic location: 9q34.13.
Variant type: single nucleotide variant.
Coding change: c.197C>T on transcript NM_001077365.2 (MANE Select); coding-DNA position 197, C replaced by T.
Protein change: p.Pro66Leu; replaces proline 66 with leucine.
Molecular consequence: missense variant. On other transcripts: non-coding transcript variant (7), intron variant (8).
Genome position (GRCh38, 1-based): chr9:131,506,188, C>T. VCF-style: chr9-131506188-C-T. GRCh37 (hg19) VCF-style: chr9-134381575-C-T.
Other names: c.35C>T, p.Pro12Leu (NM_001077366.2, NM_001353194.2, NM_001353197.2 and 3 more transcripts); c.197C>T, p.Pro66Leu (NM_001136113.2, NM_001353193.2, NM_001374690.1 and 1 more transcripts); c.-71-1180C>T (NM_001374691.1, NM_001374692.1); c.123-215C>T (NM_001353196.2); c.-122-215C>T (NM_001353195.2, NM_001353199.2, NM_001136114.2); c.-30+1848C>T (NM_001374695.1); c.-80-215C>T (NM_001353200.2); short protein forms P66L, P12L.
Identifiers: ClinVar variation 502200 (VCV000502200.26), dbSNP rs757903559, ClinGen allele CA5293180.